The following is an entry in ClinVar:

ClinVar aggregate classification (germline): Uncertain significance (1 of 4 stars; one submission).

Conditions:
Autoimmune lymphoproliferative syndrome type 2A (ALPS2A). Also called: Autoimmune lymphoproliferative syndrome type 2; CASP10-Related Autoimmune Lymphoproliferative Syndrome; AUTOIMMUNE LYMPHOPROLIFERATIVE SYNDROME, TYPE IIA. Identifiers: Orphanet 3261, MedGen C1858968, MONDO:0011383, OMIM 603909.

Allele frequency attached by ClinVar (database versions not stated): gnomAD exomes below 0.00001; TOPMed below 0.00001; ExAC 0.00001.
gnomAD v4.1: 5 of 1,612,276 alleles (0.00031%); highest among the groups gnomAD compares: Non-Finnish European, 0.00042%; no homozygotes.

Submission:

Labcorp Genetics (formerly Invitae), Labcorp
Classification: Uncertain significance for Autoimmune lymphoproliferative syndrome type 2A. Last evaluated: 2022-07-14. Review status: criteria provided, single submitter. Criteria: Invitae Variant Classification Sherloc (09022015). Collection method: clinical testing. Allele origin: germline.
Comment: Algorithms developed to predict the effect of missense changes on protein structure and function (SIFT, PolyPhen-2, Align-GVGD) all suggest that this variant is likely to be tolerated. In summary, the available evidence is currently insufficient to determine the role of this variant in disease. Therefore, it has been classified as a Variant of Uncertain Significance. This variant has not been reported in the literature in individuals affected with CASP10-related conditions. This sequence change replaces proline, which is neutral and non-polar, with serine, which is neutral and polar, at codon 249 of the CASP10 protein (p.Pro249Ser). This variant is present in population databases (rs751698816, gnomAD 0.003%).

NM_032977.4(CASP10):c.745C>T (p.Pro249Ser)

Gene: CASP10 (caspase 10; plus strand). Cytogenetic location: 2q33.1.
Variant type: single nucleotide variant.
Coding change: c.745C>T on transcript NM_032977.4 (MANE Select); coding-DNA position 745, C replaced by T.
Protein change: p.Pro249Ser; replaces proline 249 with serine.
Molecular consequence: missense variant. On other transcripts: intron variant (4).
Genome position (GRCh38, 1-based): chr2:201,205,905, C>T. VCF-style: chr2-201205905-C-T. GRCh37 (hg19) VCF-style: chr2-202070628-C-T.
Other names: c.745C>T, p.Pro249Ser (NM_032974.5); c.685-2170C>T (NM_001206542.2, NM_001230.5); c.721+2139C>T (NM_032976.4, NM_001206524.2); short protein forms P249S.
Identifiers: ClinVar variation 1974038 (VCV001974038.5), dbSNP rs751698816, ClinGen allele CA2053038.